The following is an entry in ClinVar:

ClinVar aggregate classification (germline): Uncertain significance (1 of 4 stars; one submission).

Conditions:
Charcot-Marie-Tooth disease type 4. Also called: Charcot-Marie-Tooth, Type 4; Charcot-Marie-Tooth disease, type IV. Identifiers: Orphanet 64749, MedGen C4082197, MONDO:0018995.

gnomAD v4.1: 2 of 1,614,222 alleles (0.00012%); highest among the groups gnomAD compares: Non-Finnish European, 0.00017%; no homozygotes.

Submission:

Labcorp Genetics (formerly Invitae), Labcorp
Classification: Uncertain significance for Charcot-Marie-Tooth disease type 4. Last evaluated: 2020-02-14. Review status: criteria provided, single submitter. Criteria: Invitae Variant Classification Sherloc (09022015). Collection method: clinical testing. Allele origin: germline.
Comment: In summary, the available evidence is currently insufficient to determine the role of this variant in disease. Therefore, it has been classified as a Variant of Uncertain Significance. Algorithms developed to predict the effect of missense changes on protein structure and function are either unavailable or do not agree on the potential impact of this missense change (SIFT: "Tolerated"; PolyPhen-2: "Possibly Damaging"; Align-GVGD: "Class C0"). This sequence change replaces aspartic acid with glycine at codon 1812 of the SBF2 protein (p.Asp1812Gly). The aspartic acid residue is weakly conserved and there is a moderate physicochemical difference between aspartic acid and glycine. This variant is not present in population databases (ExAC no frequency). This variant has not been reported in the literature in individuals with SBF2-related conditions.

NM_030962.4(SBF2):c.5435A>G (p.Asp1812Gly)

Genes: SBF2 (SET binding factor 2; minus strand), SBF2-AS1 (SBF2 antisense RNA 1; plus strand), LOC105369149 (uncharacterized LOC105369149; plus strand). Cytogenetic location: 11p15.4.
Variant type: single nucleotide variant.
Coding change: c.5435A>G on transcript NM_030962.4 (MANE Select); coding-DNA position 5435, A replaced by G.
Protein change: p.Asp1812Gly; replaces aspartic acid 1812 with glycine.
Molecular consequence: missense variant.
Genome position (GRCh38, 1-based): chr11:9,781,523, T>C on the plus strand (A>G on the coding strand, the complement: SBF2 is on the minus strand). VCF-style: chr11-9781523-T-C. GRCh37 (hg19) VCF-style: chr11-9803070-T-C.
Other names: c.5531A>G, p.Asp1844Gly (NM_001386339.1); c.5306A>G, p.Asp1769Gly (NM_001386342.1); short protein forms D1769G, D1812G, D1844G.
Identifiers: ClinVar variation 1039338 (VCV001039338.9), dbSNP rs1852006389, ClinGen allele CA379630025.